The following is an entry in ClinVar:

NM_201548.5(CERKL):c.1315C>T (p.Arg439Trp)

Gene: CERKL (CERK like autophagy regulator; minus strand). Cytogenetic location: 2q31.3.
Variant type: single nucleotide variant.
Coding change: c.1315C>T on transcript NM_201548.5 (MANE Select); coding-DNA position 1315, C replaced by T.
Protein change: p.Arg439Trp; replaces arginine 439 with tryptophan.
Molecular consequence: missense variant. On other transcripts: non-coding transcript variant (2).
Genome position (GRCh38, 1-based): chr2:181,544,750, G>A on the plus strand (C>T on the coding strand, the complement: CERKL is on the minus strand). VCF-style: chr2-181544750-G-A. GRCh37 (hg19) VCF-style: chr2-182409477-G-A.
Other names: c.1393C>T, p.Arg465Trp (NM_001030311.3); c.976C>T, p.Arg326Trp (NM_001030312.3); c.1108C>T, p.Arg370Trp (NM_001030313.3); c.1261C>T, p.Arg421Trp (NM_001160277.2); short protein forms R421W, R326W, R370W, R439W, R465W.
Identifiers: ClinVar variation 855128 (VCV000855128.13), dbSNP rs139300604, ClinGen allele CA2010465.

ClinVar aggregate classification (germline): Conflicting classifications of pathogenicity. Review status: criteria provided, conflicting classifications (1 of 4 stars). 8 submissions from 8 submitters: Pathogenic (1); Likely pathogenic (2); Uncertain significance (4). 1 of the submissions does not count toward it. Last evaluated 2026-05-18.

Conditions:
CERKL-related disorder. Also called: CERKL-related condition.
Retinitis pigmentosa 26 (RP26). Identifiers: Orphanet 791, MedGen C1842127, MONDO:0012024, OMIM 608380.
CERKL-related disorders.

Allele frequency attached by ClinVar (database versions not stated): TOPMed below 0.00001; gnomAD 0.00002; gnomAD exomes 0.00003 and 0.00004; ExAC 0.00006.
gnomAD v4.1: 46 of 1,608,752 alleles (0.0029%); highest among the groups gnomAD compares: South Asian, 0.0089%; no homozygotes.

Submissions (8):

PreventionGenetics, part of Exact Sciences
Classification: Likely pathogenic for CERKL-related condition. Last evaluated: 2026-05-18. Review status: criteria provided, single submitter. Criteria: ACMG Guidelines, 2015. Collection method: clinical testing. Allele origin: germline.
Comment: The CERKL c.1393C>T variant is predicted to result in the amino acid substitution p.Arg465Trp. This variant has been reported along with a second CERKL variant in an individual with retinal disease (Downes et al. 2020. PubMed ID: 33322828). This variant has been detected in the homozygous state or with a second CERKL variant in multiple individuals undergoing testing for retinal disease (PreventionGenetics internal data). This variant is reported in 0.012% of alleles in individuals of Latino descent in gnomAD. This variant is interpreted as likely pathogenic.

Myriad Genetics, Inc.
Classification: Uncertain significance for Retinitis pigmentosa 26. Last evaluated: 2025-08-21. Review status: criteria provided, single submitter. Criteria: Myriad Autosomal Dominant, Autosomal Recessive and X-Linked Classification Criteria (2023). Collection method: clinical testing. Allele origin: unknown.
Comment: NM_001030311.2(CERKL):c.1393C>T(R465W) is a missense variant classified as a variant of uncertain significance in the context of retinitis pigmentosa, CERKL-related. R465W has been observed in a case with relevant disease (PMID: 33322828). Relevant functional assessments of this variant are not available in the literature. R465W has been observed in referenced population frequency databases. In summary, there is insufficient evidence to classify NM_001030311.2(CERKL):c.1393C>T(R465W) as pathogenic or benign. Please note: this variant was assessed in the context of healthy population screening.

3billion
Classification: Uncertain significance for Retinitis pigmentosa 26. Last evaluated: 2025-08-01. Review status: criteria provided, single submitter. Criteria: ACMG Guidelines, 2015. Collection method: clinical testing. Allele origin: germline. Affected: yes.
Comment: The variant is observed at an extremely low frequency in the gnomAD v4.1.0 dataset (total allele frequency: 0.003%). Predicted Consequence/Location: Missense variant. The majority of the known disease-causing variants of this gene are variants expected to result in premature termination of the protein. In silico tool predictions suggest damaging effect of the variant on gene or gene product [3Cnet: 0.84 (> 0.75, sensitivity 0.96 and precision 0.92)]. The same nucleotide change resulting in the same amino acid change has been previously reported to be associated with CERKL-related disorder (PMID: 33322828). Therefore, this variant is classified as VUS according to the recommendation of ACMG/AMP guideline.

Baylor Genetics
Classification: Likely pathogenic for Retinitis pigmentosa 26. Last evaluated: 2024-01-04. Review status: criteria provided, single submitter. Criteria: ACMG Guidelines, 2015. Collection method: clinical testing. Allele origin: unknown.

Blueprint Genetics
Classification: Pathogenic for CERKL-related disorders. Last evaluated: 2023-09-09. Review status: criteria provided, single submitter. Criteria: ACMG Guidelines, 2015. Collection method: clinical testing. Allele origin: germline. Affected: yes. Observed: 5 variant alleles.

Labcorp Genetics (formerly Invitae), Labcorp
Classification: Uncertain significance. Last evaluated: 2022-07-25. Review status: criteria provided, single submitter. Criteria: Invitae Variant Classification Sherloc (09022015). Collection method: clinical testing. Allele origin: germline.
Comment: This sequence change replaces arginine, which is basic and polar, with tryptophan, which is neutral and slightly polar, at codon 465 of the CERKL protein (p.Arg465Trp). This variant is present in population databases (rs139300604, gnomAD 0.01%). This missense change has been observed in individual(s) with retinal dystrophy (PMID: 33322828). ClinVar contains an entry for this variant (Variation ID: 855128). Algorithms developed to predict the effect of missense changes on protein structure and function are either unavailable or do not agree on the potential impact of this missense change (SIFT: "Deleterious"; PolyPhen-2: "Probably Damaging"; Align-GVGD: "Class C15"). In summary, the available evidence is currently insufficient to determine the role of this variant in disease. Therefore, it has been classified as a Variant of Uncertain Significance.

MGZ Medical Genetics Center
Classification: Uncertain significance for Retinitis pigmentosa 26. Last evaluated: 2021-08-08. Review status: criteria provided, single submitter. Criteria: ACMG Guidelines, 2015. Collection method: clinical testing. Allele origin: germline. Affected: yes. Observed: 1 variant allele.
Comment: ACMG criteria applied: PM2_SUP

Natera, Inc.
Classification: Uncertain significance for Retinitis Pigmentosa 26. Last evaluated: 2020-09-02. Review status: no assertion criteria provided. Collection method: clinical testing. Allele origin: germline. Not counted in ClinVar's aggregate classification.

Literature cited by the submitters: PubMed 33322828 (cited by 3 submitters).